The following is an entry in ClinVar:

NM_003000.3(SDHB):c.17_18delinsTA (p.Ala6Val)

Gene: SDHB (succinate dehydrogenase complex iron sulfur subunit B; minus strand). Cytogenetic location: 1p36.13.
Variant type: Indel.
Coding change: c.17_18delinsTA on transcript NM_003000.3 (MANE Select); coding-DNA positions 17 to 18, CC replaced by TA.
Protein change: p.Ala6Val; replaces alanine 6 with valine.
Molecular consequence: missense variant.
Genome position (GRCh38, 1-based): chr1:17,054,002-17,054,003, GG replaced by TA on the plus strand (CC replaced by TA on the coding strand, the reverse complement: SDHB is on the minus strand). VCF-style: chr1-17054002-GG-TA. GRCh37 (hg19) VCF-style: chr1-17380497-GG-TA.
Other names: c.17_18delCCinsTA, p.Ala6Val (NM_001407361.1); short protein forms A6V.
Identifiers: ClinVar variation 2142579 (VCV002142579.5), dbSNP rs2525083244, ClinGen allele CA2580060811.

ClinVar aggregate classification (germline): Uncertain significance. Review status: criteria provided, multiple submitters, no conflicts (2 of 4 stars). 2 submissions from 2 submitters: Uncertain significance (2). Last evaluated 2025-10-21.

Conditions:
Pheochromocytoma. Also called: MAX-Related Hereditary Paraganglioma-Pheochromocytoma Syndrome. Identifiers: Orphanet 29072, MedGen C0031511, MONDO:0008233, OMIM 171300, HP:0002666.
Pheochromocytoma/paraganglioma syndrome 4. Also called: CAROTID BODY TUMORS AND MULTIPLE EXTRAADRENAL PHEOCHROMOCYTOMAS; SDHB-Related Hereditary Paraganglioma-Pheochromocytoma Syndrome (Paragangliomas 4); SDHB-Related Hereditary Paraganglioma-Pheochromocytoma Syndrome; PARAGANGLIOMA, FAMILIAL MALIGNANT; PARAGANGLIOMAS, HEREDITARY EXTRAADRENAL; PHEOCHROMOCYTOMA, FAMILIAL EXTRAADRENAL. Identifiers: Orphanet 29072, MedGen C1861848, MONDO:0007273, OMIM 115310.
Gastrointestinal stromal tumor. Also called: Gastrointestinal stroma tumor; Gastrointestinal stromal tumor, somatic. Identifiers: Orphanet 44890, MedGen C0238198, MeSH D046152, MONDO:0011719, OMIM 606764, HP:0100723.
Hereditary cancer-predisposing syndrome. Also called: Hereditary Cancer Syndrome; Hereditary neoplastic syndrome; Neoplastic Syndromes, Hereditary; Tumor predisposition. Identifiers: Orphanet 140162, MedGen C0027672, MeSH D009386, MONDO:0015356.

Submissions (2):

Labcorp Genetics (formerly Invitae), Labcorp
Classification: Uncertain significance for Gastrointestinal stromal tumor; Pheochromocytoma/paraganglioma syndrome 4; Pheochromocytoma. Last evaluated: 2025-10-21. Review status: criteria provided, single submitter. Criteria: Invitae Variant Classification Sherloc (09022015). Collection method: clinical testing. Allele origin: germline.
Comment: This sequence change replaces alanine, which is neutral and non-polar, with valine, which is neutral and non-polar, at codon 6 of the SDHB protein (p.Ala6Val). Information on the frequency of this variant in the gnomAD database is not available, as this variant may be reported differently in the database. This variant has not been reported in the literature in individuals affected with SDHB-related conditions. ClinVar contains an entry for this variant (Variation ID: 2142579). An algorithm developed to predict the effect of missense changes on protein structure and function (PolyPhen-2) suggests that this variant is likely to be tolerated. In summary, the available evidence is currently insufficient to determine the role of this variant in disease. Therefore, it has been classified as a Variant of Uncertain Significance.

Ambry Genetics
Classification: Uncertain significance for Hereditary cancer-predisposing syndrome. Last evaluated: 2024-06-12. Review status: criteria provided, single submitter. Criteria: Ambry Variant Classification Scheme 2023. Collection method: clinical testing. Allele origin: germline.
Comment: The c.17_18delCCinsTA variant (also known as p.A6V), located in coding exon 1 of the SDHB gene, results from an in-frame deletion of CC and insertion of TA at nucleotide positions 17 to 18. This results in the substitution of the alanine residue for a valine residue at codon 6, an amino acid with similar properties. This amino acid position is poorly conserved in available vertebrate species. In addition, this alteration is predicted to be neutral by in silico analysis (Choi Y et al. PLoS ONE. 2012; 7(10):e46688). Since supporting evidence is limited at this time, the clinical significance of this alteration remains unclear. Based on the available evidence, the clinical significance of this variant remains unclear.